The following is an entry in ClinVar:

ClinVar aggregate classification (germline): Uncertain significance (1 of 4 stars; one submission).

Conditions:
Xeroderma pigmentosum, group F (XPF). Also called: XERODERMA PIGMENTOSUM VI; XP, GROUP F; XERODERMA PIGMENTOSUM, COMPLEMENTATION GROUP F; ERCC4-Related Xeroderma Pigmentosum; XERODERMA PIGMENTOSUM, TYPE F; Xeroderma pigmentosum, type 6. Identifiers: MedGen C0268140, MONDO:0010215, OMIM 278760.
Cockayne syndrome. Identifiers: Orphanet 191, MedGen C0009207, MONDO:0016006.
Fanconi anemia complementation group Q. Identifiers: Orphanet 84, MedGen C3808988, MONDO:0014108, OMIM 615272.

Allele frequency attached by ClinVar (database versions not stated): gnomAD exomes below 0.00001 and 0.00002; gnomAD 0.00001; TOPMed 0.00001.
gnomAD v4.1: 11 of 1,604,010 alleles (0.00069%); highest among the groups gnomAD compares: South Asian, 0.0022%; no homozygotes.

Submission:

Labcorp Genetics (formerly Invitae), Labcorp
Classification: Uncertain significance for Fanconi anemia complementation group Q; Xeroderma pigmentosum, group F; Cockayne syndrome. Last evaluated: 2021-04-10. Review status: criteria provided, single submitter. Criteria: Invitae Variant Classification Sherloc (09022015). Collection method: clinical testing. Allele origin: germline.
Comment: In summary, the available evidence is currently insufficient to determine the role of this variant in disease. Therefore, it has been classified as a Variant of Uncertain Significance. Algorithms developed to predict the effect of missense changes on protein structure and function (SIFT, PolyPhen-2, Align-GVGD) all suggest that this variant is likely to be tolerated, but these predictions have not been confirmed by published functional studies and their clinical significance is uncertain. This variant has not been reported in the literature in individuals with ERCC4-related conditions. This variant is not present in population databases (ExAC no frequency). This sequence change replaces aspartic acid with histidine at codon 126 of the ERCC4 protein (p.Asp126His). The aspartic acid residue is weakly conserved and there is a moderate physicochemical difference between aspartic acid and histidine.

NM_005236.3(ERCC4):c.376G>C (p.Asp126His)

Gene: ERCC4 (ERCC excision repair 4, endonuclease catalytic subunit; plus strand). Cytogenetic location: 16p13.12.
Variant type: single nucleotide variant.
Coding change: c.376G>C on transcript NM_005236.3 (MANE Select); coding-DNA position 376, G replaced by C.
Protein change: p.Asp126His; replaces aspartic acid 126 with histidine.
Molecular consequence: missense variant.
Genome position (GRCh38, 1-based): chr16:13,922,199, G>C. VCF-style: chr16-13922199-G-C. GRCh37 (hg19) VCF-style: chr16-14016056-G-C.
Other names: short protein forms D126H.
Identifiers: ClinVar variation 1393292 (VCV001393292.7), dbSNP rs1192940719, ClinGen allele CA394818739.